The following is an entry in ClinVar:

NM_004999.4(MYO6):c.2677G>A (p.Glu893Lys)

Gene: MYO6 (myosin VI; plus strand). Cytogenetic location: 6q14.1.
Variant type: single nucleotide variant.
Coding change: c.2677G>A on transcript NM_004999.4 (MANE Select); coding-DNA position 2677, G replaced by A.
Protein change: p.Glu893Lys; replaces glutamic acid 893 with lysine.
Molecular consequence: missense variant. On other transcripts: non-coding transcript variant (1).
Genome position (GRCh38, 1-based): chr6:75,890,075, G>A. VCF-style: chr6-75890075-G-A. GRCh37 (hg19) VCF-style: chr6-76599792-G-A.
Other names: c.2677G>A, p.Glu893Lys (NM_001300899.2, NM_001368136.1, NM_001368137.1 and 2 more transcripts); c.2662G>A, p.Glu888Lys (NM_001368138.1); short protein forms E888K, E893K.
Identifiers: ClinVar variation 3391625 (VCV003391625.1).

ClinVar aggregate classification (germline): Uncertain significance (1 of 4 stars; one submission).

gnomAD v4.1: 4 of 1,613,300 alleles (0.00025%); highest among the groups gnomAD compares: South Asian, 0.0044%; no homozygotes.

Submission:

GeneDx
Classification: Uncertain significance. Last evaluated: 2024-06-17. Review status: criteria provided, single submitter. Criteria: GeneDx Variant Classification Process June 2021. Collection method: clinical testing. Allele origin: germline. Affected: yes.
Comment: In silico analysis indicates that this missense variant does not alter protein structure/function; Has not been previously published as pathogenic or benign to our knowledge